The following is an entry in ClinVar:

ClinVar aggregate classification (germline): Uncertain significance. Review status: criteria provided, multiple submitters, no conflicts (2 of 4 stars). 3 submissions from 3 submitters: Uncertain significance (3). Last evaluated 2023-05-23.

Conditions:
Inborn genetic diseases. Identifiers: MedGen C0950123, MeSH D030342.
Nemaline myopathy 8 (NEM8). Also called: Nemaline myopathy 8, autosomal recessive. Identifiers: Orphanet 171430, MedGen C3809209, MONDO:0014138, OMIM 615348.

Allele frequency attached by ClinVar (database versions not stated): ExAC 0.00002; gnomAD 0.00002 and 0.00003; TOPMed 0.00003; gnomAD exomes 0.00005 and 0.00006.
gnomAD v4.1: 91 of 1,613,844 alleles (0.0056%); highest among the groups gnomAD compares: Non-Finnish European, 0.007%; no homozygotes.

Submissions (3):

Ambry Genetics
Classification: Uncertain significance for Inborn genetic diseases. Last evaluated: 2023-05-23. Review status: criteria provided, single submitter. Criteria: Ambry Variant Classification Scheme 2023. Collection method: clinical testing. Allele origin: germline.

Labcorp Genetics (formerly Invitae), Labcorp
Classification: Uncertain significance for Nemaline myopathy 8. Last evaluated: 2022-08-16. Review status: criteria provided, single submitter. Criteria: Invitae Variant Classification Sherloc (09022015). Collection method: clinical testing. Allele origin: germline.
Comment: In summary, the available evidence is currently insufficient to determine the role of this variant in disease. Therefore, it has been classified as a Variant of Uncertain Significance. Algorithms developed to predict the effect of missense changes on protein structure and function are either unavailable or do not agree on the potential impact of this missense change (SIFT: "Deleterious"; PolyPhen-2: "Benign"; Align-GVGD: "Class C0"). ClinVar contains an entry for this variant (Variation ID: 662094). This variant has not been reported in the literature in individuals affected with KLHL40-related conditions. This variant is present in population databases (rs759757085, gnomAD 0.008%). This sequence change replaces tyrosine, which is neutral and polar, with histidine, which is basic and polar, at codon 415 of the KLHL40 protein (p.Tyr415His).

GeneDx
Classification: Uncertain significance. Last evaluated: 2022-05-13. Review status: criteria provided, single submitter. Criteria: GeneDx Variant Classification Process June 2021. Collection method: clinical testing. Allele origin: germline. Affected: yes.
Comment: Not observed at significant frequency in large population cohorts (gnomAD); In silico analysis supports that this missense variant has a deleterious effect on protein structure/function; Has not been previously published as pathogenic or benign to our knowledge

NM_152393.4(KLHL40):c.1243T>C (p.Tyr415His)

Gene: KLHL40 (kelch like family member 40; plus strand). Cytogenetic location: 3p22.1.
Variant type: single nucleotide variant.
Coding change: c.1243T>C on transcript NM_152393.4 (MANE Select); coding-DNA position 1243, T replaced by C.
Protein change: p.Tyr415His; replaces tyrosine 415 with histidine.
Molecular consequence: missense variant.
Genome position (GRCh38, 1-based): chr3:42,688,232, T>C. VCF-style: chr3-42688232-T-C. GRCh37 (hg19) VCF-style: chr3-42729724-T-C.
Other names: c.1243T>C (NM_152393.2); short protein forms Y415H.
Identifiers: ClinVar variation 662094 (VCV000662094.9), dbSNP rs759757085, ClinGen allele CA2336865.